The following is an entry in ClinVar:

NM_003579.4(RAD54L):c.1917G>T (p.Lys639Asn)

Genes: LRRC41 (leucine rich repeat containing 41; minus strand), RAD54L (RAD54 like; plus strand). Cytogenetic location: 1p34.1.
Variant type: single nucleotide variant.
Coding change: c.1917G>T on transcript NM_003579.4 (MANE Select); coding-DNA position 1917, G replaced by T.
Protein change: p.Lys639Asn; replaces lysine 639 with asparagine.
Molecular consequence: missense variant. On other transcripts: 3 prime UTR variant (1).
Genome position (GRCh38, 1-based): chr1:46,277,864, G>T. VCF-style: chr1-46277864-G-T. GRCh37 (hg19) VCF-style: chr1-46743536-G-T.
Other names: c.*1001C>A (NM_006369.5); c.1917G>T, p.Lys639Asn (NM_001142548.2); c.1377G>T, p.Lys459Asn (NM_001370766.1); short protein forms K459N, K639N.
Identifiers: ClinVar variation 3312468 (VCV003312468.1).

ClinVar aggregate classification (germline): Uncertain significance (1 of 4 stars; one submission).

Submission:

Ambry Genetics
Classification: Uncertain significance. Last evaluated: 2024-05-04. Review status: criteria provided, single submitter. Criteria: Ambry Variant Classification Scheme 2023. Collection method: clinical testing. Allele origin: germline.
Comment: The p.K639N variant (also known as c.1917G>T), located in coding exon 17 of the RAD54L gene, results from a G to T substitution at nucleotide position 1917. The lysine at codon 639 is replaced by asparagine, an amino acid with similar properties. This amino acid position is conserved. In addition, this alteration is predicted to be tolerated by in silico analysis. Based on the available evidence, the clinical significance of this variant remains unclear.